The following is an entry in ClinVar:

NM_002230.4(JUP):c.1876G>C (p.Ala626Pro)

Gene: JUP (junction plakoglobin; minus strand). Cytogenetic location: 17q21.2.
Variant type: single nucleotide variant.
Coding change: c.1876G>C on transcript NM_002230.4 (MANE Select); coding-DNA position 1876, G replaced by C.
Protein change: p.Ala626Pro; replaces alanine 626 with proline.
Molecular consequence: missense variant.
Genome position (GRCh38, 1-based): chr17:41,757,682, C>G on the plus strand (G>C on the coding strand, the complement: JUP is on the minus strand). VCF-style: chr17-41757682-C-G. GRCh37 (hg19) VCF-style: chr17-39913934-C-G.
Other names: c.1876G>C, p.Ala626Pro (NM_001352773.2, NM_001352774.2, NM_001352775.2 and 3 more transcripts); short protein forms A626P.
Identifiers: ClinVar variation 845583 (VCV000845583.9), dbSNP rs782547688, ClinGen allele CA399492269.

ClinVar aggregate classification (germline): Uncertain significance (1 of 4 stars; one submission).

Conditions:
Arrhythmogenic right ventricular dysplasia 12. Also called: ARRHYTHMOGENIC RIGHT VENTRICULAR DYSPLASIA, FAMILIAL, 12. Identifiers: MedGen C1969081, MONDO:0012684, OMIM 611528.
Naxos disease (NXD). Also called: WOOLLY HAIR, PALMOPLANTAR KERATODERMA, AND CARDIAC ABNORMALITIES; CARDIOMYOPATHY, ARRHYTHMOGENIC RIGHT VENTRICULAR, WITH SKIN, HAIR, AND NAIL ABNORMALITIES; KERATOSIS PALMOPLANTARIS WITH ARRHYTHMOGENIC CARDIOMYOPATHY; MAL DE NAXOS; PALMOPLANTAR KERATODERMA WITH ARRHYTHMOGENIC RIGHT VENTRICULAR CARDIOMYOPATHY AND WOOLLY HAIR. Identifiers: Orphanet 34217, MedGen C1832600, MONDO:0011017, OMIM 601214.

Submission:

Labcorp Genetics (formerly Invitae), Labcorp
Classification: Uncertain significance for Arrhythmogenic right ventricular dysplasia 12; Naxos disease. Last evaluated: 2019-04-05. Review status: criteria provided, single submitter. Criteria: Invitae Variant Classification Sherloc (09022015). Collection method: clinical testing. Allele origin: germline.
Comment: This sequence change replaces alanine with proline at codon 626 of the JUP protein (p.Ala626Pro). The alanine residue is moderately conserved and there is a small physicochemical difference between alanine and proline. This variant is not present in population databases (ExAC no frequency). This variant has not been reported in the literature in individuals with JUP-related conditions. Algorithms developed to predict the effect of missense changes on protein structure and function are either unavailable or do not agree on the potential impact of this missense change (SIFT: "Deleterious"; PolyPhen-2: "Benign"; Align-GVGD: "Class C0"). In summary, the available evidence is currently insufficient to determine the role of this variant in disease. Therefore, it has been classified as a Variant of Uncertain Significance.